The following is an entry in ClinVar:

NM_000059.4(BRCA2):c.8234dup (p.Thr2746fs)

Gene: BRCA2 (BRCA2 DNA repair associated; plus strand). Cytogenetic location: 13q13.1.
Variant type: Duplication.
Coding change: c.8234dup on transcript NM_000059.4 (MANE Select); coding-DNA position 8234, one base duplicated (T; older notation c.8234dupT).
Protein change: p.Thr2746fs; shifts the reading frame from threonine 2746.
Molecular consequence: frameshift variant.
Genome position (GRCh38, 1-based): chr13:32,363,436, T duplicated. VCF-style (leftmost placement, unchanged base first): chr13-32363435-C-CT. GRCh37 (hg19) VCF-style: chr13-32937572-C-CT.
Other names: 8462insT; c.8234dupT (NM_000059.3); short protein forms T2746fs.
Identifiers: ClinVar variation 52533 (VCV000052533.13), dbSNP rs276174903, ClinGen allele CA025531.

ClinVar aggregate classification (germline): Pathogenic. Review status: reviewed by expert panel (3 of 4 stars). 6 submissions from 6 submitters: Pathogenic (1). 5 of the submissions do not count toward it. Last evaluated 2016-09-08.

Conditions:
Hereditary breast ovarian cancer syndrome. Also called: Hereditary breast and ovarian cancer syndrome; Hereditary breast and ovarian cancer; Hereditary breast and ovarian cancer syndrome (HBOC); Breast and ovarian cancer; Hereditary breast and/or ovarian cancer syndrome; BRCA1- and BRCA2-Associated Hereditary Breast and Ovarian Cancer. Identifiers: Orphanet 145, MedGen C0677776, MeSH D061325, MONDO:0003582. Disease mechanism: loss of function.
BRCA2-related disorder. Also called: BRCA2-related condition; BRCA2-related disorders. Identifiers: MedGen CN239275.
Hereditary cancer-predisposing syndrome. Also called: Neoplastic Syndromes, Hereditary; Tumor predisposition; Hereditary neoplastic syndrome; Hereditary Cancer Syndrome. Identifiers: Orphanet 140162, MedGen C0027672, MeSH D009386, MONDO:0015356.
Breast-ovarian cancer, familial, susceptibility to, 2 (BROVCA2). Also called: BRCA2 Hereditary Breast and Ovarian Cancer. Identifiers: Orphanet 145, MedGen C2675520, MONDO:0012933, OMIM 612555. Disease mechanism: loss of function.

Submissions (6):

Evidence-based Network for the Interpretation of Germline Mutant Alleles (ENIGMA)
Classification: Pathogenic for Breast-ovarian cancer, familial, susceptibility to, 2. Last evaluated: 2016-09-08. Review status: reviewed by expert panel. Criteria: ENIGMA BRCA1/2 Classification Criteria (2015). Collection method: curation. Allele origin: germline.
Comment: Variant allele predicted to encode a truncated non-functional protein.

Labcorp Genetics (formerly Invitae), Labcorp
Classification: Pathogenic for Hereditary breast ovarian cancer syndrome. Last evaluated: 2023-02-02. Review status: criteria provided, single submitter. Criteria: Invitae Variant Classification Sherloc (09022015). Collection method: clinical testing. Allele origin: germline. Not counted in ClinVar's aggregate classification.
Comment: This sequence change creates a premature translational stop signal (p.Thr2746Aspfs*18) in the BRCA2 gene. It is expected to result in an absent or disrupted protein product. Loss-of-function variants in BRCA2 are known to be pathogenic (PMID: 20104584). This variant is not present in population databases (gnomAD no frequency). This premature translational stop signal has been observed in individual(s) with breast and/or ovarian cancer (PMID: 26848529, 29566657). ClinVar contains an entry for this variant (Variation ID: 52533). For these reasons, this variant has been classified as Pathogenic.

Ambry Genetics
Classification: Pathogenic for Hereditary cancer-predisposing syndrome. Last evaluated: 2019-07-12. Review status: criteria provided, single submitter. Criteria: Ambry Variant Classification Scheme 2023. Collection method: clinical testing. Allele origin: germline. Not counted in ClinVar's aggregate classification.
Comment: The c.8234dupT pathogenic mutation, located in coding exon 17 of the BRCA2 gene, results from a duplication of T at nucleotide position 8234, causing a translational frameshift with a predicted alternate stop codon (p.T2746Dfs*18). This pathogenic mutation has been reported in numerous Chinese families with breast and/or ovarian cancer (Li WF et al. Breast Cancer Res. Treat. 2008 Jul;110:99-109; Kim YC et al. Oncotarget. 2016 Feb;7:9600-12; Sun J et al. Clin. Cancer Res. 2017 Oct;23:6113-6119; Wang YA et al. BMC Cancer. 2018 03;18:315). In addition to the clinical data presented in the literature, this alteration is expected to result in loss of function by premature protein truncation or nonsense-mediated mRNA decay. As such, this alteration is interpreted as a disease-causing mutation.

Consortium of Investigators of Modifiers of BRCA1/2 (CIMBA), c/o University of Cambridge
Classification: Pathogenic for Breast-ovarian cancer, familial, susceptibility to, 2. Last evaluated: 2015-10-02. Review status: criteria provided, single submitter. Criteria: CIMBA Mutation Classification guidelines May 2016. Collection method: clinical testing. Allele origin: germline. Not counted in ClinVar's aggregate classification.

PreventionGenetics, part of Exact Sciences
Classification: Pathogenic for BRCA2-related condition. Last evaluated: 2024-08-12. Review status: no assertion criteria provided. Collection method: clinical testing. Allele origin: germline. Not counted in ClinVar's aggregate classification.
Comment: The BRCA2 c.8234dupT variant is predicted to result in a frameshift and premature protein termination (p.Thr2746Aspfs*18). This variant is also referred to as 8462insT in the literature. This variant has been reported in individuals with breast cancer (see, for example, Li et al. 2008. PubMed ID: 17851763; Table S3, Sun et al. 2017. PubMed ID: 28724667; Wang et al. 2018. PubMed ID: 29566657). This variant has not been reported in gnomAD, indicating it is rare. This variant is interpreted as pathogenic in ClinVar. Frameshift variants in BRCA2 are expected to be pathogenic. This variant is interpreted as pathogenic.

Breast Cancer Information Core (BIC) (BRCA2)
Classification: Pathogenic for Breast-ovarian cancer, familial 2. Last evaluated: 2007-04-04. Review status: no assertion criteria provided. Collection method: clinical testing. Allele origin: germline. Affected: yes. Observed: 1 variant allele. Not counted in ClinVar's aggregate classification.

Literature cited by the submitters: PubMed 20104584 (cited by Labcorp Genetics (formerly Invitae), Labcorp); PubMed 26848529 (cited by Labcorp Genetics (formerly Invitae), Labcorp and Ambry Genetics); PubMed 29566657 (cited by Labcorp Genetics (formerly Invitae), Labcorp and Ambry Genetics); PubMed 17851763 (cited by Ambry Genetics); PubMed 28724667 (cited by Ambry Genetics).